The following is an entry in ClinVar:

NM_018136.5(ASPM):c.9637-38G>A

Gene: ASPM (assembly factor for spindle microtubules; minus strand). Cytogenetic location: 1q31.3.
Variant type: single nucleotide variant.
Coding change: c.9637-38G>A on transcript NM_018136.5 (MANE Select); 38 bases into the intron before coding-DNA position 9637, G replaced by A.
Molecular consequence: intron variant.
Genome position (GRCh38, 1-based): chr1:197,090,426, C>T on the plus strand (G>A on the coding strand, the complement: ASPM is on the minus strand). VCF-style: chr1-197090426-C-T. GRCh37 (hg19) VCF-style: chr1-197059556-C-T.
Other names: c.4882-38G>A (NM_001206846.2).
Identifiers: ClinVar variation 678392 (VCV000678392.2), dbSNP rs116608360, ClinGen allele CA1308900.

ClinVar aggregate classification (germline): Likely benign. Review status: criteria provided, multiple submitters, no conflicts (2 of 4 stars). 2 submissions from 2 submitters: Likely benign (2). Last evaluated 2018-06-14.

Allele frequency attached by ClinVar (database versions not stated): gnomAD exomes 0.00085; 1000 Genomes Project 0.00759; gnomAD 0.00778 and 0.00848; 1000 Genomes Project 30x 0.00843; TOPMed 0.00889; ESP Exome Variant Server 0.00922.
gnomAD v4.1: 2,364 of 1,467,030 alleles (0.16%); highest among the groups gnomAD compares: African/African-American, 2.8%; 29 homozygotes.

Submissions (2):

GeneDx
Classification: Likely benign. Last evaluated: 2018-06-14. Review status: criteria provided, single submitter. Criteria: GeneDx Variant Classification (06012015). Collection method: clinical testing. Allele origin: germline. Affected: yes.
Comment: This variant is considered likely benign or benign based on one or more of the following criteria: it is a conservative change, it occurs at a poorly conserved position in the protein, it is predicted to be benign by multiple in silico algorithms, and/or has population frequency not consistent with disease.

Breakthrough Genomics
Classification: Likely benign. Review status: criteria provided, single submitter. Criteria: ACMG Guidelines, 2015. Collection method: not provided. Allele origin: germline. Inheritance: Autosomal recessive inheritance. Affected: yes.